The following is an entry in ClinVar:

NM_030665.4(RAI1):c.5408G>A (p.Arg1803His)

Gene: RAI1 (retinoic acid induced 1; plus strand). Cytogenetic location: 17p11.2.
Variant type: single nucleotide variant.
Coding change: c.5408G>A on transcript NM_030665.4 (MANE Select); coding-DNA position 5408, G replaced by A.
Protein change: p.Arg1803His; replaces arginine 1803 with histidine.
Molecular consequence: missense variant.
Genome position (GRCh38, 1-based): chr17:17,798,356, G>A. VCF-style: chr17-17798356-G-A. GRCh37 (hg19) VCF-style: chr17-17701670-G-A.
Other names: c.5408G>A (NM_030665.3); short protein forms R1803H.
Identifiers: ClinVar variation 2078993 (VCV002078993.6), dbSNP rs771965950, ClinGen allele CA8419154.

ClinVar aggregate classification (germline): Conflicting classifications of pathogenicity. Review status: criteria provided, conflicting classifications (1 of 4 stars). 3 submissions from 3 submitters: Uncertain significance (2); Likely benign (1). Last evaluated 2026-08-24.

Conditions:
RAI1-related disorder. Also called: RAI1-related condition.
Inborn genetic diseases. Identifiers: MedGen C0950123, MeSH D030342.

Allele frequency attached by ClinVar (database versions not stated): TOPMed 0.00002; gnomAD 0.00003; gnomAD exomes 0.00006; ExAC 0.00019.
gnomAD v4.1: 96 of 1,605,894 alleles (0.006%); highest among the groups gnomAD compares: Non-Finnish European, 0.0079%; no homozygotes.

Submissions (3):

PreventionGenetics, part of Exact Sciences
Classification: Uncertain significance for RAI1-related condition. Last evaluated: 2026-08-24. Review status: criteria provided, single submitter. Criteria: ACMG Guidelines, 2015. Collection method: clinical testing. Allele origin: germline.
Comment: The RAI1 c.5408G>A variant is predicted to result in the amino acid substitution p.Arg1803His. To our knowledge, this variant has not been reported in the literature. This variant is reported in 0.015% of alleles in individuals of European (Non-Finnish) descent in gnomAD. At this time, the clinical significance of this variant is uncertain due to the absence of conclusive functional and genetic evidence.

Ambry Genetics
Classification: Likely benign for Inborn genetic diseases. Last evaluated: 2025-06-10. Review status: criteria provided, single submitter. Criteria: Ambry Variant Classification Scheme 2023. Collection method: clinical testing. Allele origin: germline.

Labcorp Genetics (formerly Invitae), Labcorp
Classification: Uncertain significance. Last evaluated: 2025-03-25. Review status: criteria provided, single submitter. Criteria: Invitae Variant Classification Sherloc (09022015). Collection method: clinical testing. Allele origin: germline.
Comment: This sequence change replaces arginine, which is basic and polar, with histidine, which is basic and polar, at codon 1803 of the RAI1 protein (p.Arg1803His). This variant is present in population databases (rs771965950, gnomAD 0.02%). This variant has not been reported in the literature in individuals affected with RAI1-related conditions. ClinVar contains an entry for this variant (Variation ID: 2078993). Invitae Evidence Modeling of protein sequence and biophysical properties (such as structural, functional, and spatial information, amino acid conservation, physicochemical variation, residue mobility, and thermodynamic stability) has been performed for this missense variant. However, the output from this modeling did not meet the statistical confidence thresholds required to predict the impact of this variant on RAI1 protein function. In summary, the available evidence is currently insufficient to determine the role of this variant in disease. Therefore, it has been classified as a Variant of Uncertain Significance.